The following is an entry in ClinVar:

NM_015158.5(KANK1):c.3741A>G (p.Ile1247Met)

Gene: KANK1 (KN motif and ankyrin repeat domains 1; plus strand). Cytogenetic location: 9p24.3.
Variant type: single nucleotide variant.
Coding change: c.3741A>G on transcript NM_015158.5 (MANE Select); coding-DNA position 3741, A replaced by G.
Protein change: p.Ile1247Met; replaces isoleucine 1247 with methionine.
Molecular consequence: missense variant. On other transcripts: non-coding transcript variant (1).
Genome position (GRCh38, 1-based): chr9:742,249, A>G. VCF-style: chr9-742249-A-G. GRCh37 (hg19) VCF-style: chr9-742249-A-G.
Other names: c.3741A>G, p.Ile1247Met (NM_001256876.3, NM_001256877.3, NM_001354334.2); c.3501A>G, p.Ile1167Met (NM_001354331.2); c.3687A>G, p.Ile1229Met (NM_001354332.2); c.3267A>G, p.Ile1089Met (NM_001354333.2, NM_001354335.2, NM_001354337.2 and 2 more transcripts); c.2973A>G, p.Ile991Met (NM_001354336.2); c.3213A>G, p.Ile1071Met (NM_001354338.2, NM_001354340.2, NM_001354344.2); c.3027A>G, p.Ile1009Met (NM_001354339.2, NM_001354342.2, NM_001354343.2); c.3741A>G (NM_015158.2); short protein forms I1167M, I1229M, I991M, I1071M, I1247M, I1009M, I1089M.
Identifiers: ClinVar variation 1374429 (VCV001374429.9), dbSNP rs1045016402, ClinGen allele CA372762378.

ClinVar aggregate classification (germline): Uncertain significance. Review status: criteria provided, multiple submitters, no conflicts (2 of 4 stars). 2 submissions from 2 submitters: Uncertain significance (2). Last evaluated 2024-12-31.

Submissions (2):

Ambry Genetics
Classification: Uncertain significance. Last evaluated: 2024-12-31. Review status: criteria provided, single submitter. Criteria: Ambry Variant Classification Scheme 2023. Collection method: clinical testing. Allele origin: germline.

Labcorp Genetics (formerly Invitae), Labcorp
Classification: Uncertain significance. Last evaluated: 2020-11-10. Review status: criteria provided, single submitter. Criteria: Invitae Variant Classification Sherloc (09022015). Collection method: clinical testing. Allele origin: germline.
Comment: In summary, the available evidence is currently insufficient to determine the role of this variant in disease. Therefore, it has been classified as a Variant of Uncertain Significance. Algorithms developed to predict the effect of missense changes on protein structure and function (SIFT, PolyPhen-2, Align-GVGD) all suggest that this variant is likely to be tolerated, but these predictions have not been confirmed by published functional studies and their clinical significance is uncertain. This variant has not been reported in the literature in individuals with KANK1-related conditions. This variant is not present in population databases (ExAC no frequency). This sequence change replaces isoleucine with methionine at codon 1247 of the KANK1 protein (p.Ile1247Met). The isoleucine residue is moderately conserved and there is a small physicochemical difference between isoleucine and methionine.